The following is an entry in ClinVar:

ClinVar aggregate classification (germline): Uncertain significance (1 of 4 stars; one submission).

Conditions:
SCO2-related disorder. Also called: SCO2-related condition.

Submission:

PreventionGenetics, part of Exact Sciences
Classification: Uncertain significance for SCO2-related condition. Last evaluated: 2023-01-04. Review status: criteria provided, single submitter. Criteria: ACMG Guidelines, 2015. Collection method: clinical testing. Allele origin: germline.
Comment: The SCO2 c.385G>A variant is predicted to result in the amino acid substitution p.Gly129Ser. To our knowledge, this variant has not been reported in the literature or in a large population database, indicating this variant is rare. At this time, the clinical significance of this variant is uncertain due to the absence of conclusive functional and genetic evidence.

NM_005138.3(SCO2):c.385G>A (p.Gly129Ser)

Genes: NCAPH2 (non-SMC condensin II complex subunit H2; plus strand), SCO2 (synthesis of cytochrome C oxidase 2; minus strand). Cytogenetic location: 22q13.33.
Variant type: single nucleotide variant.
Coding change: c.385G>A on transcript NM_005138.3 (MANE Select); coding-DNA position 385, G replaced by A.
Protein change: p.Gly129Ser; replaces glycine 129 with serine.
Molecular consequence: missense variant. On other transcripts: 3 prime UTR variant (2).
Genome position (GRCh38, 1-based): chr22:50,524,027, C>T on the plus strand (G>A on the coding strand, the complement: SCO2 is on the minus strand). VCF-style: chr22-50524027-C-T. GRCh37 (hg19) VCF-style: chr22-50962456-C-T.
Other names: c.*652C>T (NM_001185011.2, NM_152299.4); c.385G>A, p.Gly129Ser (NM_001169109.2, NM_001169110.1, NM_001169111.2); short protein forms G129S.
Identifiers: ClinVar variation 2630070 (VCV002630070.1), dbSNP rs2522471309, ClinGen allele CA412192890.